The following is an entry in ClinVar:

ClinVar aggregate classification (germline): Likely pathogenic. Review status: criteria provided, multiple submitters, no conflicts (2 of 4 stars). 2 submissions from 2 submitters: Likely pathogenic (2). Last evaluated 2025-05-28.

gnomAD v4.1: 2 of 1,612,784 alleles (0.00012%); highest among the groups gnomAD compares: Admixed American, 0.0017%; no homozygotes.

Submissions (2):

Dasa
Classification: Likely pathogenic. Last evaluated: 2025-05-28. Review status: criteria provided, single submitter. Criteria: DASA Assertion Criteria. Collection method: clinical testing. Allele origin: germline.
Comment: NM_194248.3(OTOF):c.3734-2A>G affects a canonical splice site and is predicted to disrupt normal RNA splicing. Loss of function is an established disease mechanism for OTOF-associated disorders. Also, this variant is rare in population databases. Based on the currently available evidence, this variant is classified as likely pathogenic.

Labcorp Genetics (formerly Invitae), Labcorp
Classification: Likely pathogenic. Last evaluated: 2023-12-09. Review status: criteria provided, single submitter. Criteria: Invitae Variant Classification Sherloc (09022015). Collection method: clinical testing. Allele origin: germline.
Comment: This sequence change affects an acceptor splice site in intron 29 of the OTOF gene. It is expected to disrupt RNA splicing. Variants that disrupt the donor or acceptor splice site typically lead to a loss of protein function (PMID: 16199547), and loss-of-function variants in OTOF are known to be pathogenic (PMID: 18381613, 19250381, 22575033). This variant is not present in population databases (gnomAD no frequency). This variant has not been reported in the literature in individuals affected with OTOF-related conditions. Algorithms developed to predict the effect of sequence changes on RNA splicing suggest that this variant may disrupt the consensus splice site. In summary, the currently available evidence indicates that the variant is pathogenic, but additional data are needed to prove that conclusively. Therefore, this variant has been classified as Likely Pathogenic.

Literature cited by the submitters: PubMed 16199547 (cited by Labcorp Genetics (formerly Invitae), Labcorp); PubMed 18381613 (cited by Labcorp Genetics (formerly Invitae), Labcorp); PubMed 19250381 (cited by Labcorp Genetics (formerly Invitae), Labcorp); PubMed 22575033 (cited by Labcorp Genetics (formerly Invitae), Labcorp).

NM_194248.3(OTOF):c.3734-2A>G

Gene: OTOF (otoferlin; minus strand). Cytogenetic location: 2p23.3.
Variant type: single nucleotide variant.
Coding change: c.3734-2A>G on transcript NM_194248.3 (MANE Select); the canonical splice acceptor site of the intron before coding-DNA position 3734, A replaced by G.
Molecular consequence: splice acceptor variant. On other transcripts: intron variant (2).
Genome position (GRCh38, 1-based): chr2:26,472,651, T>C on the plus strand (A>G on the coding strand, the complement: OTOF is on the minus strand). VCF-style: chr2-26472651-T-C. GRCh37 (hg19) VCF-style: chr2-26695519-T-C.
Other names: c.3734-2A>G (NM_001287489.2); c.1493-62A>G (NM_194323.3, NM_004802.4); c.1664-2A>G (NM_194322.3).
Identifiers: ClinVar variation 2871609 (VCV002871609.5), dbSNP rs748827423, ClinGen allele CA44395454.